The following is an entry in ClinVar:

ClinVar aggregate classification (germline): Uncertain significance (1 of 4 stars; one submission).

Allele frequency attached by ClinVar (database versions not stated): gnomAD 0.00001.
gnomAD v4.1: 1 of 1,613,926 alleles (0.000062%); highest among the groups gnomAD compares: African/African-American, 0.0013%; no homozygotes.

Submission:

Labcorp Genetics (formerly Invitae), Labcorp
Classification: Uncertain significance. Last evaluated: 2022-04-14. Review status: criteria provided, single submitter. Criteria: Invitae Variant Classification Sherloc (09022015). Collection method: clinical testing. Allele origin: germline.
Comment: In summary, the available evidence is currently insufficient to determine the role of this variant in disease. Therefore, it has been classified as a Variant of Uncertain Significance. Algorithms developed to predict the effect of missense changes on protein structure and function (SIFT, PolyPhen-2, Align-GVGD) all suggest that this variant is likely to be disruptive. This variant has not been reported in the literature in individuals affected with VCAN-related conditions. This variant is not present in population databases (gnomAD no frequency). This sequence change replaces proline, which is neutral and non-polar, with histidine, which is basic and polar, at codon 2778 of the VCAN protein (p.Pro2778His).

NM_004385.5(VCAN):c.8333C>A (p.Pro2778His)

Genes: VCAN (versican; plus strand), VCAN-AS1 (VCAN antisense RNA 1; minus strand). Cytogenetic location: 5q14.3.
Variant type: single nucleotide variant.
Coding change: c.8333C>A on transcript NM_004385.5 (MANE Select); coding-DNA position 8333, C replaced by A.
Protein change: p.Pro2778His; replaces proline 2778 with histidine.
Molecular consequence: missense variant. On other transcripts: intron variant (2).
Genome position (GRCh38, 1-based): chr5:83,541,336, C>A. VCF-style: chr5-83541336-C-A. GRCh37 (hg19) VCF-style: chr5-82837155-C-A.
Other names: c.5372C>A, p.Pro1791His (NM_001164097.2); c.4004-4201C>A (NM_001164098.2); c.1043-4201C>A (NM_001126336.3); short protein forms P2778H, P1791H.
Identifiers: ClinVar variation 2108883 (VCV002108883.4), dbSNP rs749456848, ClinGen allele CA360316693.